The following is an entry in ClinVar:

NC_000009.11:g.(?_101900131)_(101900381_?)dup

Gene: TGFBR1 (transforming growth factor beta receptor 1; plus strand). Cytogenetic location: 9q22.33.
Variant type: Duplication.
Identifiers: ClinVar variation 1443934 (VCV001443934.7).

ClinVar aggregate classification (germline): Uncertain significance (1 of 4 stars; one submission).

Conditions:
Familial thoracic aortic aneurysm and aortic dissection (TAAD). Also called: Thoracic aortic aneurysms and dissections. Identifiers: Orphanet 91387, MedGen C4707243, MONDO:0019625.

Submission:

Labcorp Genetics (formerly Invitae), Labcorp
Classification: Uncertain significance for Familial thoracic aortic aneurysm and aortic dissection. Last evaluated: 2021-02-02. Review status: criteria provided, single submitter. Criteria: Invitae Variant Classification Sherloc (09022015). Collection method: clinical testing. Allele origin: germline.
Comment: This variant has been observed in individual(s) with clinical features of TGFBR1-related conditions (Invitae). This variant results in a copy number gain of the genomic region encompassing exon(s) 4 of the TGFBR1 gene. While the exact position of this variant cannot be determined from the data, sub-genic copy number gains are generally in tandem (PMID: 25640679). This variant is predicted to be in-frame, and likely preserves the integrity of the reading frame. Experimental studies and prediction algorithms are not available or were not evaluated, and the functional significance of this variant is currently unknown. In summary, the available evidence is currently insufficient to determine the role of this variant in disease. Therefore, it has been classified as a Variant of Uncertain Significance.

Literature cited by the submitters: PubMed 25640679.